The following is an entry in ClinVar:

ClinVar aggregate classification (germline): Pathogenic (1 of 4 stars; one submission).

Submission:

Labcorp Genetics (formerly Invitae), Labcorp
Classification: Pathogenic. Last evaluated: 2024-04-25. Review status: criteria provided, single submitter. Criteria: Invitae Variant Classification Sherloc (09022015). Collection method: clinical testing. Allele origin: germline.
Comment: This sequence change creates a premature translational stop signal (p.Asp61Glyfs*58) in the TONSL gene. It is expected to result in an absent or disrupted protein product. Loss-of-function variants in TONSL are known to be pathogenic (PMID: 30773277). The frequency data for this variant in the population databases is considered unreliable, as metrics indicate poor data quality at this position in the gnomAD database. This variant has not been reported in the literature in individuals affected with TONSL-related conditions. ClinVar contains an entry for this variant (Variation ID: 1955979). For these reasons, this variant has been classified as Pathogenic.

Literature cited by the submitters: PubMed 30773277.

NM_013432.5(TONSL):c.182_192del (p.Asp61fs)

Gene: TONSL (tonsoku like, DNA repair protein; minus strand). Cytogenetic location: 8q24.3.
Variant type: Deletion.
Coding change: c.182_192del on transcript NM_013432.5 (MANE Select); coding-DNA positions 182 to 192, 11 bases deleted (ACGACCCTCTG).
Protein change: p.Asp61fs; shifts the reading frame from aspartic acid 61.
Molecular consequence: frameshift variant.
Genome position (GRCh38, 1-based): chr8:144,443,954-144,443,964, CAGAGGGTCGT deleted on the plus strand (ACGACCCTCTG on the coding strand, the reverse complement: TONSL is on the minus strand); deleting any 11 consecutive bases within chr8:144,443,954-144,443,967 gives the same sequence; the c. name uses the placement nearest the transcript's 3' end. VCF-style (leftmost placement, unchanged base first): chr8-144443953-CCAGAGGGTCGT-C. GRCh37 (hg19) VCF-style: chr8-145669336-CCAGAGGGTCGT-C.
Other names: short protein forms D61fs.
Identifiers: ClinVar variation 1955979 (VCV001955979.5), dbSNP rs1421020011, ClinGen allele CA586163693.